The following is an entry in ClinVar:

NM_000135.4(FANCA):c.1924G>C (p.Glu642Gln)

Gene: FANCA (FA complementation group A; minus strand). Cytogenetic location: 16q24.3.
Variant type: single nucleotide variant.
Coding change: c.1924G>C on transcript NM_000135.4 (MANE Select); coding-DNA position 1924, G replaced by C.
Protein change: p.Glu642Gln; replaces glutamic acid 642 with glutamine.
Molecular consequence: missense variant.
Genome position (GRCh38, 1-based): chr16:89,773,361, C>G on the plus strand (G>C on the coding strand, the complement: FANCA is on the minus strand). VCF-style: chr16-89773361-C-G. GRCh37 (hg19) VCF-style: chr16-89839769-C-G.
Other names: c.1924G>C, p.Glu642Gln (NM_001286167.3); short protein forms E642Q.
Identifiers: ClinVar variation 3848214 (VCV003848214.1).

ClinVar aggregate classification (germline): Uncertain significance (1 of 4 stars; one submission).

Conditions:
Inborn genetic diseases. Identifiers: MedGen C0950123, MeSH D030342.

Submission:

Ambry Genetics
Classification: Uncertain significance for Inborn genetic diseases. Last evaluated: 2025-02-09. Review status: criteria provided, single submitter. Criteria: Ambry Variant Classification Scheme 2023. Collection method: clinical testing. Allele origin: germline.
Comment: The p.E642Q variant (also known as c.1924G>C), located in coding exon 22 of the FANCA gene, results from a G to C substitution at nucleotide position 1924. The glutamic acid at codon 642 is replaced by glutamine, an amino acid with highly similar properties. This amino acid position is conserved. In addition, this alteration is predicted to be tolerated by in silico analysis. Based on the available evidence, the clinical significance of this variant remains unclear.